The following is an entry in ClinVar:

NM_007289.4(MME):c.713A>C (p.Tyr238Ser)

Gene: MME (membrane metalloendopeptidase; plus strand). Cytogenetic location: 3q25.2.
Variant type: single nucleotide variant.
Coding change: c.713A>C on transcript NM_007289.4 (MANE Select); coding-DNA position 713, A replaced by C.
Protein change: p.Tyr238Ser; replaces tyrosine 238 with serine.
Molecular consequence: missense variant.
Genome position (GRCh38, 1-based): chr3:155,118,804, A>C. VCF-style: chr3-155118804-A-C. GRCh37 (hg19) VCF-style: chr3-154836593-A-C.
Other names: c.713A>C, p.Tyr238Ser (NM_000902.5, NM_001354642.2, NM_001354643.1 and 2 more transcripts); short protein forms Y238S.
Identifiers: ClinVar variation 1512632 (VCV001512632.35), dbSNP rs202126163, ClinGen allele CA85810453.

ClinVar aggregate classification (germline): Uncertain significance. Review status: criteria provided, multiple submitters, no conflicts (2 of 4 stars). 2 submissions from 2 submitters: Uncertain significance (2). Last evaluated 2022-09-01.

gnomAD v4.1: 6 of 1,593,600 alleles (0.00038%); highest among the groups gnomAD compares: Non-Finnish European, 0.00043%; no homozygotes.

Submissions (2):

CeGaT Center for Human Genetics Tuebingen
Classification: Uncertain significance. Last evaluated: 2022-09-01. Review status: criteria provided, single submitter. Criteria: CeGaT Center For Human Genetics Tuebingen Variant Classification Criteria Version 2. Collection method: clinical testing. Allele origin: germline. Affected: yes. Observed: 1 variant allele.
Comment: MME: PM2

Labcorp Genetics (formerly Invitae), Labcorp
Classification: Uncertain significance. Last evaluated: 2021-11-30. Review status: criteria provided, single submitter. Criteria: Invitae Variant Classification Sherloc (09022015). Collection method: clinical testing. Allele origin: germline.
Comment: This variant has not been reported in the literature in individuals affected with MME-related conditions. In summary, the available evidence is currently insufficient to determine the role of this variant in disease. Therefore, it has been classified as a Variant of Uncertain Significance. Algorithms developed to predict the effect of missense changes on protein structure and function are either unavailable or do not agree on the potential impact of this missense change (SIFT: "Tolerated"; PolyPhen-2: "Probably Damaging"; Align-GVGD: "Class C0"). This variant is not present in population databases (gnomAD no frequency). This sequence change replaces tyrosine, which is neutral and polar, with serine, which is neutral and polar, at codon 238 of the MME protein (p.Tyr238Ser).